The following is an entry in ClinVar:

NM_003640.5(ELP1):c.2958+1G>C

Gene: ELP1 (elongator acetyltransferase complex subunit 1; minus strand). Cytogenetic location: 9q31.3.
Variant type: single nucleotide variant.
Coding change: c.2958+1G>C on transcript NM_003640.5 (MANE Select); the canonical splice donor site of the intron after coding-DNA position 2958, G replaced by C.
Molecular consequence: splice donor variant.
Genome position (GRCh38, 1-based): chr9:108,892,985, C>G on the plus strand (G>C on the coding strand, the complement: ELP1 is on the minus strand). VCF-style: chr9-108892985-C-G. GRCh37 (hg19) VCF-style: chr9-111655265-C-G.
Other names: c.2616+1G>C (NM_001318360.2); c.1911+1G>C (NM_001330749.2).
Identifiers: ClinVar variation 552277 (VCV000552277.10), dbSNP rs1239081703, ClinGen allele CA374418170.
Genomic context (GRCh38, chr9:108,892,985, plus strand): 5'-CTCCTTTCCTACTAAAGCAAAAAGCAAAACCAGGAGAGCCTCATTTTCACATACCACATA[C>G]CTGGTACTGTTGTGAGCTTGGTGAATATAACTTCAGAGCTTCGTTATACAAGTTTTTATC-3'

ClinVar aggregate classification (germline): Likely pathogenic. Review status: criteria provided, single submitter (1 of 4 stars). 2 submissions from 2 submitters: Likely pathogenic (1). 1 of the submissions does not count toward it. Last evaluated 2020-11-21.

Conditions:
Familial dysautonomia. Also called: FD; HSAN III. Identifiers: Orphanet 1764, MedGen C0013364, MONDO:0009131, OMIM 223900. Disease mechanism: loss of function.

gnomAD v4.1: 1 of 1,606,828 alleles (0.000062%); highest among the groups gnomAD compares: Admixed American, 0.0017%; no homozygotes.

Submissions (2):

Labcorp Genetics (formerly Invitae), Labcorp
Classification: Likely pathogenic. Last evaluated: 2020-11-21. Review status: criteria provided, single submitter. Criteria: Invitae Variant Classification Sherloc (09022015). Collection method: clinical testing. Allele origin: germline.
Comment: In summary, the currently available evidence indicates that the variant is pathogenic, but additional data are needed to prove that conclusively. Therefore, this variant has been classified as Likely Pathogenic. This sequence change affects a donor splice site in intron 27 of the ELP1 gene. It is expected to disrupt RNA splicing. Variants that disrupt the donor or acceptor splice site typically lead to a loss of protein function (PMID: 16199547), and loss-of-function variants in ELP1 are known to be pathogenic (PMID: 18303054, 24173031). This variant is not present in population databases (ExAC no frequency). This variant has not been reported in the literature in individuals with ELP1-related conditions. ClinVar contains an entry for this variant (Variation ID: 552277). Algorithms developed to predict the effect of sequence changes on RNA splicing suggest that this variant may disrupt the consensus splice site, but this prediction has not been confirmed by published transcriptional studies.

Counsyl
Classification: Likely pathogenic for Familial dysautonomia. Last evaluated: 2017-06-01. Review status: no assertion criteria provided. Collection method: clinical testing. Allele origin: unknown. Not counted in ClinVar's aggregate classification.

Literature cited by the submitters: PubMed 16199547 (cited by Labcorp Genetics (formerly Invitae), Labcorp); PubMed 18303054 (cited by Labcorp Genetics (formerly Invitae), Labcorp); PubMed 24173031 (cited by Labcorp Genetics (formerly Invitae), Labcorp).